The following is an entry in ClinVar:

NM_206933.4(USH2A):c.9292A>T (p.Ser3098Cys)

Gene: USH2A (usherin; minus strand). Cytogenetic location: 1q41.
Variant type: single nucleotide variant.
Coding change: c.9292A>T on transcript NM_206933.4 (MANE Select); coding-DNA position 9292, A replaced by T.
Protein change: p.Ser3098Cys; replaces serine 3098 with cysteine.
Molecular consequence: missense variant.
Genome position (GRCh38, 1-based): chr1:215,838,070, T>A on the plus strand (A>T on the coding strand, the complement: USH2A is on the minus strand). VCF-style: chr1-215838070-T-A. GRCh37 (hg19) VCF-style: chr1-216011412-T-A.
Other names: short protein forms S3098C.
Identifiers: ClinVar variation 2081969 (VCV002081969.4), dbSNP rs2464586228, ClinGen allele CA344835498.

ClinVar aggregate classification (germline): Uncertain significance (1 of 4 stars; one submission).

Submission:

Labcorp Genetics (formerly Invitae), Labcorp
Classification: Uncertain significance. Last evaluated: 2024-10-21. Review status: criteria provided, single submitter. Criteria: Invitae Variant Classification Sherloc (09022015). Collection method: clinical testing. Allele origin: germline.
Comment: This sequence change replaces serine, which is neutral and polar, with cysteine, which is neutral and slightly polar, at codon 3098 of the USH2A protein (p.Ser3098Cys). This variant is not present in population databases (gnomAD no frequency). This variant has not been reported in the literature in individuals affected with USH2A-related conditions. ClinVar contains an entry for this variant (Variation ID: 2081969). Invitae Evidence Modeling of protein sequence and biophysical properties (such as structural, functional, and spatial information, amino acid conservation, physicochemical variation, residue mobility, and thermodynamic stability) indicates that this missense variant is expected to disrupt USH2A protein function with a positive predictive value of 95%. In summary, the available evidence is currently insufficient to determine the role of this variant in disease. Therefore, it has been classified as a Variant of Uncertain Significance.